The following is an entry in ClinVar:

NM_032229.3(SLITRK6):c.2343G>T (p.Gln781His)

Gene: SLITRK6 (SLIT and NTRK like family member 6; minus strand). Cytogenetic location: 13q31.1.
Variant type: single nucleotide variant.
Coding change: c.2343G>T on transcript NM_032229.3 (MANE Select); coding-DNA position 2343, G replaced by T.
Protein change: p.Gln781His; replaces glutamine 781 with histidine.
Molecular consequence: missense variant.
Genome position (GRCh38, 1-based): chr13:85,794,166, C>A on the plus strand (G>T on the coding strand, the complement: SLITRK6 is on the minus strand). VCF-style: chr13-85794166-C-A. GRCh37 (hg19) VCF-style: chr13-86368301-C-A.
Other names: short protein forms Q781H.
Identifiers: ClinVar variation 746496 (VCV000746496.7), dbSNP rs141433398, ClinGen allele CA7014919.

ClinVar aggregate classification (germline): Likely benign. Review status: criteria provided, multiple submitters, no conflicts (2 of 4 stars). 2 submissions from 2 submitters: Likely benign (2). Last evaluated 2026-01-07.

Conditions:
SLITRK6-related disorder. Also called: SLITRK6-related condition.

Allele frequency attached by ClinVar (database versions not stated): gnomAD 0.00013 and 0.00015; ExAC 0.00015; TOPMed 0.00015; gnomAD exomes 0.00019; 1000 Genomes Project 30x 0.00031; 1000 Genomes Project 0.00040.

Submissions (2):

PreventionGenetics, part of Exact Sciences
Classification: Likely benign for SLITRK6-related condition. Last evaluated: 2026-01-07. Review status: criteria provided, single submitter. Criteria: ACMG Guidelines, 2015. Collection method: clinical testing. Allele origin: germline.
Comment: This variant is classified as likely benign based on ACMG/AMP sequence variant interpretation guidelines (Richards et al. 2015 PMID: 25741868, with internal and published modifications).

Labcorp Genetics (formerly Invitae), Labcorp
Classification: Likely benign. Last evaluated: 2023-09-08. Review status: criteria provided, single submitter. Criteria: Invitae Variant Classification Sherloc (09022015). Collection method: clinical testing. Allele origin: germline.